The following is an entry in ClinVar:

NM_001039141.3(TRIOBP):c.6324+226A>G

Gene: TRIOBP (TRIO and F-actin binding protein; plus strand). Cytogenetic location: 22q13.1.
Variant type: single nucleotide variant.
Coding change: c.6324+226A>G on transcript NM_001039141.3 (MANE Select); 226 bases into the intron after coding-DNA position 6324, A replaced by G.
Molecular consequence: intron variant. On other transcripts: missense variant (1).
Genome position (GRCh38, 1-based): chr22:37,759,490, A>G. VCF-style: chr22-37759490-A-G. GRCh37 (hg19) VCF-style: chr22-38155497-A-G.
Other names: c.1259A>G, p.Lys420Arg (NM_138632.2); c.1185+226A>G (NM_007032.5); short protein forms K420R.
Identifiers: ClinVar variation 47853 (VCV000047853.8), dbSNP rs57799594, ClinGen allele CA142044.

ClinVar aggregate classification (germline): Benign. Review status: criteria provided, multiple submitters, no conflicts (2 of 4 stars). 4 submissions from 4 submitters: Benign (4). Last evaluated 2018-06-29.

Allele frequency attached by ClinVar (database versions not stated): gnomAD exomes 0.01076 and 0.02738; ExAC 0.03278; gnomAD 0.09710 and 0.10409; 1000 Genomes Project 0.10643; TOPMed 0.10854; ESP Exome Variant Server 0.11149; 1000 Genomes Project 30x 0.11446.
gnomAD v4.1: 30,991 of 1,603,498 alleles (1.9%); highest among the groups gnomAD compares: African/African-American, 34%; 4,560 homozygotes.

Submissions (4):

GeneDx
Classification: Benign. Last evaluated: 2018-06-29. Review status: criteria provided, single submitter. Criteria: GeneDx Variant Classification Process June 2021. Collection method: clinical testing. Allele origin: germline. Affected: yes.

Athena Diagnostics
Classification: Benign. Last evaluated: 2018-05-24. Review status: criteria provided, single submitter. Criteria: Athena Diagnostics Criteria. Collection method: clinical testing. Allele origin: germline.

Laboratory for Molecular Medicine, Mass General Brigham Personalized Medicine
Classification: Benign. Last evaluated: 2012-05-07. Review status: criteria provided, single submitter. Criteria: LMM Criteria. Collection method: clinical testing. Allele origin: germline. Observed: 104 variant alleles.
Comment: Lys420Arg in Exon 17A of TRIOBP: This variant is not expected to have clinical s ignificance because it has been identified in 32.4% (1210/3738) of African Ameri can chromosomes from a broad population by the NHLBI Exome Sequencing Project (dbSNP rs57799594).

Breakthrough Genomics
Classification: Benign. Review status: criteria provided, single submitter. Criteria: ACMG Guidelines, 2015. Collection method: not provided. Allele origin: germline. Inheritance: Autosomal recessive inheritance. Affected: yes.